The following is an entry in ClinVar:

NM_014956.5(CEP164):c.183G>A (p.Glu61=)

Gene: CEP164 (centrosomal protein 164; plus strand). Cytogenetic location: 11q23.3.
Variant type: single nucleotide variant.
Coding change: c.183G>A on transcript NM_014956.5 (MANE Select); coding-DNA position 183, G replaced by A.
Protein change: p.Glu61=; no amino-acid change (glutamic acid 61 retained).
Molecular consequence: synonymous variant.
Genome position (GRCh38, 1-based): chr11:117,344,266, G>A. VCF-style: chr11-117344266-G-A. GRCh37 (hg19) VCF-style: chr11-117214982-G-A.
Other names: c.183G>A (NM_014956.4); c.183G>A, p.Glu61= (NM_001271933.2).
Identifiers: ClinVar variation 1139711 (VCV001139711.10), dbSNP rs745920052, ClinGen allele CA6294342.
Genomic context (GRCh38, chr11:117,344,266, plus strand): 5'-CAAGGAACCAGAACTGATGTGGCTGGCGCGAGAGGGCATCGTGGCCCCACTGCCTGGAGA[G>A]TGGAAACCATGGTAAGTCAGCAGGGGGTGCGGCCACTGACTTGGCCTAGCAGAGGCAGAG-3'
Protein context (NP_055771.4, residues 51-71): REGIVAPLPG[Glu61=]WKPCQDITGD

ClinVar aggregate classification (germline): Likely benign. Review status: criteria provided, multiple submitters, no conflicts (2 of 4 stars). 2 submissions from 2 submitters: Likely benign (2). Last evaluated 2025-07-09.

Conditions:
Nephronophthisis 15 (NPHP15). Identifiers: Orphanet 3156, MedGen C3541853, MONDO:0013917, OMIM 614845.
CEP164-related disorder. Also called: CEP164-related condition.

Allele frequency attached by ClinVar (database versions not stated): ExAC 0.00003.
gnomAD v4.1: 9 of 1,612,322 alleles (0.00056%); highest among the groups gnomAD compares: Admixed American, 0.0084%; no homozygotes.

Submissions (2):

PreventionGenetics, part of Exact Sciences
Classification: Likely benign for CEP164-related condition. Last evaluated: 2025-07-09. Review status: criteria provided, single submitter. Criteria: ACMG Guidelines, 2015. Collection method: clinical testing. Allele origin: germline.
Comment: This variant is classified as likely benign based on ACMG/AMP sequence variant interpretation guidelines (Richards et al. 2015 PMID: 25741868, with internal and published modifications).

Labcorp Genetics (formerly Invitae), Labcorp
Classification: Likely benign for Nephronophthisis 15. Last evaluated: 2023-04-06. Review status: criteria provided, single submitter. Criteria: Invitae Variant Classification Sherloc (09022015). Collection method: clinical testing. Allele origin: germline.